The following is an entry in ClinVar:

NM_005263.5(GFI1):c.397C>T (p.Arg133Trp)

Gene: GFI1 (growth factor independent 1 transcriptional repressor; minus strand). Cytogenetic location: 1p22.1.
Variant type: single nucleotide variant.
Coding change: c.397C>T on transcript NM_005263.5 (MANE Select); coding-DNA position 397, C replaced by T.
Protein change: p.Arg133Trp; replaces arginine 133 with tryptophan.
Molecular consequence: missense variant.
Genome position (GRCh38, 1-based): chr1:92,480,990, G>A on the plus strand (C>T on the coding strand, the complement: GFI1 is on the minus strand). VCF-style: chr1-92480990-G-A. GRCh37 (hg19) VCF-style: chr1-92946547-G-A.
Other names: c.397C>T, p.Arg133Trp (NM_001127215.3, NM_001127216.3); short protein forms R133W.
Identifiers: ClinVar variation 4671567 (VCV004671567.1).
Genomic context (GRCh38, chr1:92,480,990, plus strand): 5'-GGCCCAGGCCAGCGCCACGCTCCAGGGCCCCACACGGTCGGTAGCTCTGCACCAGGTGCC[G>A]CAGGTCAGAACCCGCCAGGCCGCTCCATGAGTACGGTTTGAAAGGCAGGGGGAAGGGCTG-3'
Protein context (NP_005254.2, residues 123-143): SWSGLAGSDL[Arg133Trp]HLVQSYRPCG

ClinVar aggregate classification (germline): Uncertain significance (1 of 4 stars; one submission).

Submission:

Ambry Genetics
Classification: Uncertain significance. Last evaluated: 2025-10-03. Review status: criteria provided, single submitter. Criteria: Ambry Variant Classification Scheme 2023. Collection method: clinical testing. Allele origin: germline.
Comment: The p.R133W variant (also known as c.397C>T), located in coding exon 3 of the GFI1 gene, results from a C to T substitution at nucleotide position 397. The arginine at codon 133 is replaced by tryptophan, an amino acid with dissimilar properties. This amino acid position is conserved. In addition, this alteration is predicted to be tolerated by in silico analysis. Based on the available evidence, the clinical significance of this variant remains unclear.